The following continues an entry in ClinVar:

NM_007294.4(BRCA1):c.1687C>T (p.Gln563Ter)

Gene: BRCA1. ClinVar aggregate classification (germline): Pathogenic. Pathogenic (1).

Submissions 24 to 41 of 60:

Dasa
Classification: Pathogenic for Breast-ovarian cancer, familial, susceptibility to, 1. Last evaluated: 2022-03-05. Review status: criteria provided, single submitter. Criteria: ACMG Guidelines, 2015. Collection method: clinical testing. Allele origin: germline. Affected: yes. Observed: 1 variant allele. Not counted in ClinVar's aggregate classification.
Comment: The c.1687C>T;p.(Gln563*) variant creates a premature translational stop signal in the BRCA1 gene. It is expected to result in an absent or disrupted protein product - PVS1. Well-established in vitro or in vivo functional studies supportive of a damaging effect on the gene or gene product (PMID: 12393792) - PS3_supporting. This sequence change has been observed in affected individual(s) and ClinVar contains an entry for this variant (ClinVar ID: 37426; PMID: 23199084; PMID: 24312913; PMID: 21989927; PMID: 25330149; PMID: 25948282; PMID: 26852130; PMID: 12393792) - PS4. The variant is present at low allele frequencies population databases (rs80356898 – gnomAD 0.0002795%; ABraOM no frequency) - PM2_supporting. In summary, the currently available evidence indicates that the variant is pathogenic.

Institute for Clinical Genetics, University Hospital TU Dresden, University Hospital TU Dresden
Classification: Pathogenic. Last evaluated: 2021-11-03. Review status: criteria provided, single submitter. Criteria: ACMG Guidelines, 2015. Collection method: clinical testing. Allele origin: germline. Not counted in ClinVar's aggregate classification.

Genetics Program, Instituto Nacional de Cancer
Classification: Pathogenic for Hereditary breast ovarian cancer syndrome. Last evaluated: 2021-11-01. Review status: criteria provided, single submitter. Criteria: ACMG Guidelines, 2015. Collection method: research. Allele origin: germline. Affected: yes. Not counted in ClinVar's aggregate classification.

Laboratorio de Genetica e Diagnostico Molecular, Hospital Israelita Albert Einstein
Classification: Pathogenic for Breast-ovarian cancer, familial, susceptibility to, 1. Last evaluated: 2021-07-06. Review status: criteria provided, single submitter. Criteria: ACMG Guidelines, 2015. Collection method: clinical testing. Allele origin: germline. Affected: yes. Not counted in ClinVar's aggregate classification.
Comment: ACMG classification criteria: PVS1 very strong, PVS1, PS3 supporting, PS4 strong, PS4, PM2

Sema4
Classification: Pathogenic for Hereditary cancer-predisposing syndrome. Last evaluated: 2021-05-21. Review status: criteria provided, single submitter. Criteria: Sema4 Curation Guidelines. Collection method: curation. Allele origin: germline. Not counted in ClinVar's aggregate classification.
Comment: The BRCA1 c.1687C>T (p.Q563X) variant is a well characterized pathogenic variant that has been associated with autosomal dominant hereditary breast and ovarian cancer syndrome (PMID: 11251181, 29339979, 22776961, 27425403, 29161300, 28324225). This variant is also known as c.1806C>T in the literature. This nonsense variant creates a premature stop codon at residue 563 of the BRCA1 protein. At this location, this is predicted to cause nonsense-mediated decay and result in an absent protein (loss of function). Loss of function variants in BRCA1 are known to be pathogenic (PMID: 29446198). This variant was observed in 7/113222 chromosomes in the Non-Finnish European population in the large and broad cohorts of the Genome Aggregation Database (PMID: 32461654) and has been reported in ClinVar (Variation ID 37426). Based on the current evidence available, this variant was interpreted as pathogenic.

Institute of Medical Genetics and Applied Genomics, University Hospital Tübingen
Classification: Pathogenic. Last evaluated: 2020-10-23. Review status: criteria provided, single submitter. Criteria: ACMG Guidelines, 2015. Collection method: clinical testing. Allele origin: germline. Inheritance: Unknown mechanism. Affected: yes. Not counted in ClinVar's aggregate classification.

GeneDx
Classification: Pathogenic. Last evaluated: 2020-05-11. Review status: criteria provided, single submitter. Criteria: GeneDx Variant Classification Process June 2021. Collection method: clinical testing. Allele origin: germline. Affected: yes. Not counted in ClinVar's aggregate classification.
Comment: Nonsense variant predicted to result in protein truncation or nonsense mediated decay in a gene for which loss-of-function is a known mechanism of disease; Observed in individuals with a personal or family history consistent with pathogenic variants in this gene (Janavicius 2010, Ghiorzo 2012, Karami 2013, Meisel 2017); Truncating variants in this gene are considered pathogenic by a well-established clinical consortium and/or database; Not observed at a significant frequency in large population cohorts (gnomAD); Also known as 1806C>T; This variant is associated with the following publications: (PMID: 24312913, 15024741, 15876480, 20373018, 21989927, 22776961, 24504028, 12566964, 11504767, 9663595, 23397983, 25948282, 26852130, 25525159, 18439106, 26843898, 27003155, 27376475, 27425403, 27194814, 7837387, 27914478, 27741520, 27836010, 28123851, 28127413, 28166811, 28281021, 28324225, 26681312, 28857155, 29339979, 29335924, 29907814, 29346284, 11251181, 29161300, 30103829, 30606148, 29446198, 30720243, 30322717, 31589614, 32341426, 33087929, 23199084)

Department of Molecular Diagnostics, Institute of Oncology Ljubljana
Classification: Pathogenic for Breast-ovarian cancer, familial, susceptibility to, 1. Last evaluated: 2020-04-02. Review status: criteria provided, single submitter. Criteria: ACMG Guidelines, 2015. Collection method: clinical testing. Allele origin: germline. Affected: yes. Not counted in ClinVar's aggregate classification.

Centre for Mendelian Genomics, University Medical Centre Ljubljana
Classification: Pathogenic for Familial cancer of breast. Last evaluated: 2019-12-12. Review status: criteria provided, single submitter. Criteria: ACMG Guidelines, 2015. Collection method: clinical testing. Allele origin: unknown. Affected: yes. Not counted in ClinVar's aggregate classification.
Comment: This variant was classified as: Pathogenic. The following ACMG criteria were applied in classifying this variant: PVS1,PS1.

Laboratory for Molecular Medicine, Mass General Brigham Personalized Medicine
Classification: Pathogenic for Hereditary breast ovarian cancer syndrome. Last evaluated: 2019-04-24. Review status: criteria provided, single submitter. Criteria: LMM Criteria. Collection method: clinical testing. Allele origin: germline. Inheritance: Autosomal dominant inheritance. Observed: 2 variant alleles. Not counted in ClinVar's aggregate classification.
Comment: The p.Gln563X variant in BRCA1 (also referred to as 1806C>T) has been reported in >100 individuals with BRCA1-associated cancers (Shattuck-Eidens 1995, Wagner 1998, Pohlreich 2003, Foretova 2004, Salazar 2006, Krajc 2008, Janav 2010, Zuradelli 2010, Blay 2013, Cunningham 2014, Kluska 2015, Cini 2016, Breast Cancer Information Core (BIC) database). It was also identified in 5/66568 European chromosomes by the Exome Aggregation Consortium (ExAC; dbSNP rs80356898); however, this frequency is low enough to be consistent with the frequency of hereditary breast and ovarian cancer (HBOC) in the general population. This nonsense variant leads to a premature termination codon at position 563, which is predicted to lead to a truncated or absent protein. Heterozygous loss of function of the BRCA1 gene is an established disease mechanism in HBOC. Furthermore, this variant was classified as Pathogenic on April 22, 2016 by the ClinGen-approved ENIGMA expert panel (ClinVar SCV000282262.1). In summary, this variant meets criteria to be classified as pathogenic for HBOC in an autosomal dominant manner. PVS1, PM2, PS4.

Fulgent Genetics
Classification: Pathogenic for Familial cancer of breast; Breast-ovarian cancer, familial, susceptibility to, 1; Pancreatic cancer, susceptibility to, 4; Fanconi anemia, complementation group S. Last evaluated: 2018-10-31. Review status: criteria provided, single submitter. Criteria: ACMG Guidelines, 2015. Collection method: clinical testing. Allele origin: unknown. Not counted in ClinVar's aggregate classification.

Mendelics
Classification: Pathogenic for Hereditary breast and ovarian cancer syndrome. Last evaluated: 2018-07-02. Review status: criteria provided, single submitter. Criteria: Mendelics Assertion Criteria 2017. Collection method: clinical testing. Allele origin: unknown. Not counted in ClinVar's aggregate classification.

Women's Health and Genetics/Laboratory Corporation of America, LabCorp
Classification: Pathogenic for Hereditary breast ovarian cancer syndrome. Last evaluated: 2017-08-14. Review status: criteria provided, single submitter. Criteria: LabCorp Variant Classification Summary - May 2015. Collection method: clinical testing. Allele origin: germline. Not counted in ClinVar's aggregate classification.
Comment: Variant summary: The BRCA1 c.1687C>T (p.Gln563X) variant results in a premature termination codon, predicted to cause a truncated or absent BRCA1 protein due to nonsense mediated decay, which are commonly known mechanisms for disease. This variant was found in 5/121138 control chromosomes at a frequency of 0.0000413, which does not exceed the estimated maximal expected allele frequency of a pathogenic BRCA1 variant (0.0010005). These occurrences need to be cautiously considered due to the cohort could harbor individuals with a BRCA1 phenotype. This variant has been reported in multiple HBOC patients and multiple clinical diagnostic laboratories/reputable databases classified this variant as pathogenic. Taken together, this variant is classified as pathogenic.

Genologica Medica
Classification: Pathogenic for Breast-ovarian cancer, familial, susceptibility to, 1. Last evaluated: 2017-01-01. Review status: criteria provided, single submitter. Criteria: ACMG Guidelines, 2015. Collection method: clinical testing. Allele origin: germline. Affected: yes. Not counted in ClinVar's aggregate classification.

GeneKor MSA
Classification: Pathogenic for Ovarian cancer. Last evaluated: 2016-07-01. Review status: criteria provided, single submitter. Criteria: ACMG Guidelines, 2015. Collection method: clinical testing. Allele origin: germline. Affected: yes. Not counted in ClinVar's aggregate classification.

CHEO Genetics Diagnostic Laboratory, Children's Hospital of Eastern Ontario
Classification: Pathogenic for Breast and/or ovarian cancer. Last evaluated: 2016-05-13. Review status: criteria provided, single submitter. Criteria: ACMG Guidelines, 2015. Collection method: clinical testing. Allele origin: germline. Study: Canadian Open Genetics Repository. Not counted in ClinVar's aggregate classification.

Consortium of Investigators of Modifiers of BRCA1/2 (CIMBA), c/o University of Cambridge
Classification: Pathogenic for Breast-ovarian cancer, familial, susceptibility to, 1. Last evaluated: 2015-10-02. Review status: criteria provided, single submitter. Criteria: CIMBA Mutation Classification guidelines May 2016. Collection method: clinical testing. Allele origin: germline. Not counted in ClinVar's aggregate classification.

Department of Medical Genetics, Oslo University Hospital
Classification: Pathogenic for Breast-ovarian cancer, familial, susceptibility to, 1. Last evaluated: 2015-07-01. Review status: criteria provided, single submitter. Criteria: ACMG Guidelines, 2015. Collection method: clinical testing. Allele origin: germline. Affected: yes. Observed: 6 variant alleles. Not counted in ClinVar's aggregate classification.